The following is an entry in ClinVar:

NM_005045.4(RELN):c.10294A>G (p.Lys3432Glu)

Genes: RELN (reelin; minus strand), SLC26A5-AS1 (SLC26A5 antisense RNA 1; plus strand). Cytogenetic location: 7q22.1.
Variant type: single nucleotide variant.
Coding change: c.10294A>G on transcript NM_005045.4 (MANE Select); coding-DNA position 10294, A replaced by G.
Protein change: p.Lys3432Glu; replaces lysine 3432 with glutamic acid.
Molecular consequence: missense variant.
Genome position (GRCh38, 1-based): chr7:103,472,901, T>C on the plus strand (A>G on the coding strand, the complement: RELN is on the minus strand). VCF-style: chr7-103472901-T-C. GRCh37 (hg19) VCF-style: chr7-103113348-T-C.
Other names: c.10288A>G, p.Lys3430Glu (NM_173054.3); short protein forms K3430E, K3432E.
Identifiers: ClinVar variation 4532050 (VCV004532050.1).

ClinVar aggregate classification (germline): Uncertain significance (1 of 4 stars; one submission).

Conditions:
Neurodevelopmental disorder. Identifiers: MedGen C1535926, MeSH D065886, MONDO:0700092.

Submission:

Victorian Clinical Genetics Services, Murdoch Childrens Research Institute
Classification: Uncertain significance for Neurodevelopmental disorder. Last evaluated: 2025-05-26. Review status: criteria provided, single submitter. Criteria: ACMG Guidelines, 2015. Collection method: clinical testing. Allele origin: germline. Affected: yes.
Comment: This variant is classified as VUS-3B. Evidence in support of pathogenic classification: Variant is absent from gnomAD (v2, v3 and v4). Additional information: Variant is predicted to result in a missense amino acid change from lysine to glutamic acid; This variant is heterozygous; This gene is associated with both recessive and dominant disease. Lissencephaly 2 (Norman-Roberts type) (MIM#616436) is associated with autosomal recessive disease, and familial temporal lobe epilepsy, 7 (ADTLE) (MIM#616436) and neurodevelopmental disorder (MONDO#0700092), RELN-related are associated with autosomal dominant disease; This variant has no previous evidence of pathogenicity; No published segregation evidence has been identified for this variant; No published functional evidence has been identified for this variant; No comparable missense variants have previous evidence for pathogenicity; Variant is not located in an established domain, motif, hotspot or informative constraint region; Missense variant with inconclusive in silico prediction and uninformative conservation; Loss of function is a known mechanism of disease in this gene and is associated with autosomal recessive lissencephaly 2 (Norman-Roberts type) (MIM#257320, ClinGen CCID:005990) and autosomal dominant familial temporal lobe epilepsy, 7 (ADTLE) (MIM#616436, PMID: 20301709). In addition, dominant negative has been suggested for autosomal dominant neurodevelopmental disorder (MONDO#0700092), RELN-related (ClinGen CCID:005991, PMID: 38980724); The condition associated with this gene has incomplete penetrance. Penetrance is low for autosomal dominant familial temporal lobe epilepsy, 7 (ADTLE) (PMID: 20301709); Variants in this gene are known to have variable expressivity. Intrafamilial variability has been reported for neurodevelopmental disorder, RELN-related (PMID: 35769015); Inheritance information for this variant is not currently available in this individual.

Literature cited by the submitters: PubMed 35769015; PubMed 38980724; PubMed 20301709.